The following is an entry in ClinVar:

NM_177438.3(DICER1):c.2496G>C (p.Lys832Asn)

Gene: DICER1 (dicer 1, ribonuclease III; minus strand). Cytogenetic location: 14q32.13.
Variant type: single nucleotide variant.
Coding change: c.2496G>C on transcript NM_177438.3 (MANE Select); coding-DNA position 2496, G replaced by C.
Protein change: p.Lys832Asn; replaces lysine 832 with asparagine.
Molecular consequence: missense variant.
Genome position (GRCh38, 1-based): chr14:95,108,034, C>G on the plus strand (G>C on the coding strand, the complement: DICER1 is on the minus strand). VCF-style: chr14-95108034-C-G. GRCh37 (hg19) VCF-style: chr14-95574371-C-G.
Other names: c.2496G>C, p.Lys832Asn (NM_001195573.1, NM_001271282.3, NM_001291628.2 and 1 more transcripts); short protein forms K832N.
Identifiers: ClinVar variation 315109 (VCV000315109.23), dbSNP rs769292296, ClinGen allele CA7331228.
Genomic context (GRCh38, chr14:95,108,034, plus strand): 5'-ATACTGGTGAAGTCTTGTAATCAACTCAAGCATTTGTAGAGACAACATGAAACCAGACTT[C>G]TTCAACTCAATGGATATGGTAACCTCTCCAGAGCGTGTGTACACAGGAAAGTGTGGAATC-3'
Protein context (NP_803187.1, residues 822-842): SGEVTISIEL[Lys832Asn]KSGFMLSLQM

ClinVar aggregate classification (germline): Conflicting classifications of pathogenicity. Review status: criteria provided, conflicting classifications (1 of 4 stars). 4 submissions from 4 submitters: Uncertain significance (3); Likely benign (1). Last evaluated 2025-01-11.

Conditions:
Hereditary cancer-predisposing syndrome. Also called: Neoplastic Syndromes, Hereditary; Tumor predisposition; Hereditary Cancer Syndrome; Hereditary neoplastic syndrome. Identifiers: Orphanet 140162, MedGen C0027672, MeSH D009386, MONDO:0015356.
DICER1-related tumor predisposition. Also called: DICER1-related pleuropulmonary blastoma cancer predisposition syndrome; DICER1 syndrome. Identifiers: Orphanet 284343, MedGen C3839822, MONDO:0100216.

Allele frequency attached by ClinVar (database versions not stated): gnomAD exomes below 0.00001 and 0.00001; gnomAD 0.00001; ExAC 0.00002.
gnomAD v4.1: 3 of 1,613,940 alleles (0.00019%); highest among the groups gnomAD compares: Non-Finnish European, 0.00025%; no homozygotes.

Submissions (4):

Labcorp Genetics (formerly Invitae), Labcorp
Classification: Uncertain significance for DICER1-related tumor predisposition. Last evaluated: 2025-01-11. Review status: criteria provided, single submitter. Criteria: Invitae Variant Classification Sherloc (09022015). Collection method: clinical testing. Allele origin: germline.
Comment: This sequence change replaces lysine, which is basic and polar, with asparagine, which is neutral and polar, at codon 832 of the DICER1 protein (p.Lys832Asn). This variant is present in population databases (rs769292296, gnomAD 0.002%). This variant has not been reported in the literature in individuals affected with DICER1-related conditions. ClinVar contains an entry for this variant (Variation ID: 315109). Invitae Evidence Modeling of protein sequence and biophysical properties (such as structural, functional, and spatial information, amino acid conservation, physicochemical variation, residue mobility, and thermodynamic stability) indicates that this missense variant is not expected to disrupt DICER1 protein function with a negative predictive value of 95%. Algorithms developed to predict the effect of sequence changes on RNA splicing suggest that this variant may disrupt the consensus splice site. In summary, the available evidence is currently insufficient to determine the role of this variant in disease. Therefore, it has been classified as a Variant of Uncertain Significance.

Ambry Genetics
Classification: Uncertain significance for Hereditary cancer-predisposing syndrome. Last evaluated: 2024-03-06. Review status: criteria provided, single submitter. Criteria: Ambry Variant Classification Scheme 2023. Collection method: clinical testing. Allele origin: germline.
Comment: The p.K832N variant (also known as c.2496G>C), located in coding exon 15 of the DICER1 gene, results from a G to C substitution at nucleotide position 2496. The lysine at codon 832 is replaced by asparagine, an amino acid with similar properties. This amino acid position is well conserved in available vertebrate species. In addition, this alteration is predicted to be tolerated by in silico analysis. Since supporting evidence is limited at this time, the clinical significance of this alteration remains unclear.

Institute for Clinical Genetics, University Hospital TU Dresden, University Hospital TU Dresden
Classification: Uncertain significance. Last evaluated: 2021-11-03. Review status: criteria provided, single submitter. Criteria: ACMG Guidelines, 2015. Collection method: clinical testing. Allele origin: germline.

Illumina Laboratory Services, Illumina
Classification: Likely benign for Pleuropulmonary blastoma. Last evaluated: 2018-01-12. Review status: criteria provided, single submitter. Criteria: ICSL Variant Classification Criteria 13 December 2019. Collection method: clinical testing. Allele origin: germline.
Comment: This variant was observed in the ICSL laboratory as part of a predisposition screen in an ostensibly healthy population. It had not been previously curated by ICSL or reported in the Human Gene Mutation Database (HGMD: prior to June 1st, 2018), and was therefore a candidate for classification through an automated scoring system. Utilizing variant allele frequency, disease prevalence and penetrance estimates, and inheritance mode, an automated score was calculated to assess if this variant is too frequent to cause the disease. Based on the score and internal cut-off values, a variant classified as likely benign is not then subjected to further curation. The score for this variant resulted in a classification of likely benign for this disease.